The following is an entry in ClinVar:

ClinVar aggregate classification (germline): Pathogenic (1 of 4 stars; one submission).

Conditions:
Tuberous sclerosis 1 (TSC1). Identifiers: Orphanet 805, MedGen C1854465, MONDO:0008612, OMIM 191100.

Submission:

Labcorp Genetics (formerly Invitae), Labcorp
Classification: Pathogenic for Tuberous sclerosis 1. Last evaluated: 2025-09-04. Review status: criteria provided, single submitter. Criteria: Invitae Variant Classification Sherloc (09022015). Collection method: clinical testing. Allele origin: germline.
Comment: This sequence change creates a premature translational stop signal (p.Arg420Glyfs*20) in the TSC1 gene. It is expected to result in an absent or disrupted protein product. Loss-of-function variants in TSC1 are known to be pathogenic (PMID: 10227394, 17304050). This variant is not present in population databases (gnomAD no frequency). This premature translational stop signal has been observed in individual(s) with TSC1-related conditions (PMID: 26493680). For these reasons, this variant has been classified as Pathogenic.

Literature cited by the submitters: PubMed 10227394; PubMed 17304050; PubMed 26493680.

NM_000368.5(TSC1):c.1258del (p.Arg420fs)

Gene: TSC1 (TSC complex subunit 1; minus strand). Cytogenetic location: 9q34.13.
Variant type: Deletion.
Coding change: c.1258del on transcript NM_000368.5 (MANE Select); coding-DNA position 1258, one base deleted (A; older notation c.1258delA).
Protein change: p.Arg420fs; shifts the reading frame from arginine 420.
Molecular consequence: frameshift variant. On other transcripts: non-coding transcript variant (5).
Genome position (GRCh38, 1-based): chr9:132,910,576, T deleted on the plus strand (A on the coding strand, the reverse complement: TSC1 is on the minus strand). VCF-style (leftmost placement, unchanged base first): chr9-132910575-CT-C. GRCh37 (hg19) VCF-style: chr9-135785962-CT-C.
Other names: c.1255del, p.Arg419fs (NM_001162426.2, NM_001406600.1, NM_001406603.1 and 6 more transcripts); c.1258del, p.Arg420fs (NM_001406601.1, NM_001406602.1, NM_001406605.1 and 7 more transcripts); c.1105del, p.Arg369fs (NM_001406610.1, NM_001162427.2); c.1102del, p.Arg368fs (NM_001406611.1, NM_001406612.1, NM_001406613.1); c.895del, p.Arg299fs (NM_001406614.1, NM_001406615.1, NM_001406616.1 and 5 more transcripts); c.892del, p.Arg298fs (NM_001406620.1, NM_001406621.1, NM_001406622.1 and 2 more transcripts); c.307del, p.Arg103fs (NM_001406626.1); c.304del, p.Arg102fs (NM_001406627.1, NM_001406628.1); and 1 more; short protein forms R369fs, R420fs, R298fs, R299fs, R368fs, R102fs, R103fs, R419fs.
Identifiers: ClinVar variation 4726671 (VCV004726671.1).